The following is an entry in ClinVar:

NM_000092.5(COL4A4):c.801_802del (p.Leu267_Tyr268insTer)

Gene: COL4A4 (collagen type IV alpha 4 chain; minus strand). Cytogenetic location: 2q36.3.
Variant type: Microsatellite.
Coding change: c.801_802del on transcript NM_000092.5 (MANE Select); coding-DNA positions 801 to 802, 2 bases deleted (CT; older notation c.801_802delCT).
Protein change: p.Leu267_Tyr268insTer.
Molecular consequence: frameshift variant.
Genome position (GRCh38, 1-based): chr2:227,103,986-227,103,987, AG deleted on the plus strand (CT on the coding strand, the reverse complement: COL4A4 is on the minus strand); deleting any 2 consecutive bases within chr2:227,103,986-227,103,990 gives the same sequence; the c. name uses the placement nearest the transcript's 3' end. VCF-style (leftmost placement, unchanged base first): chr2-227103985-TAG-T. GRCh37 (hg19) VCF-style: chr2-227968701-TAG-T.
Identifiers: ClinVar variation 1455487 (VCV001455487.8), dbSNP rs2060671183, ClinGen allele CA1043036297.
Genomic context (GRCh38, chr2:227,103,985, plus strand): 5'-ATTTTCTACTGCTACTTTCCAAGGTGACATATGGATTTGGGAATTACCTTTTCTCCTTTA[TAG>T]AGACAAAAGTCAGGTGGCTCTACCAACAGGGTGGGTCCAGGAGAACCTTGCTGACCAACC-3'

ClinVar aggregate classification (germline): Pathogenic. Review status: criteria provided, multiple submitters, no conflicts (2 of 4 stars). 3 submissions from 3 submitters: Pathogenic (3). Last evaluated 2026-02-12.

Conditions:
Alport syndrome. Also called: Hemorrhagic familial nephritis; Hemorrhagic hereditary nephritis; Congenital hereditary hematuria. Identifiers: Orphanet 63, MedGen C1567741, MONDO:0018965.
Hematuria. Identifiers: MedGen C0018965, HP:0000790.

Submissions (3):

Genetics Laboratory, Great Ormond Street Hospital NHS Foundation Trust, North Thames Genomic Laboratory Hub
Classification: Pathogenic for Haematuria. Last evaluated: 2026-02-12. Review status: criteria provided, single submitter. Criteria: ACGS Best Practice Guidelines for Variant Classification in Rare Disease 2024 v1.2. Collection method: clinical testing. Allele origin: germline. Affected: yes.
Comment: PM2_moderate, PVS1_very-strong

Myriad Genetics, Inc.
Classification: Pathogenic for Alport syndrome. Last evaluated: 2026-02-10. Review status: criteria provided, single submitter. Criteria: Myriad Autosomal Dominant, Autosomal Recessive and X-Linked Classification Criteria (2023). Collection method: clinical testing. Allele origin: unknown.
Comment: NM_000092.4(COL4A4):c.801_802delCT(Y268*) is a nonsense variant classified as pathogenic in the context of Alport syndrome, COL4A4-related. Y268* has been observed in a case with relevant disease (PMID: 37915894). Relevant functional assessments of this variant are not available in the literature. Y268* has not been observed in referenced population frequency databases. In summary, NM_000092.4(COL4A4):c.801_802delCT(Y268*) is a nonsense variant in a gene where loss of function is a known mechanism of disease and is predicted to disrupt protein function. Please note: this variant was assessed in the context of healthy population screening.

Labcorp Genetics (formerly Invitae), Labcorp
Classification: Pathogenic. Last evaluated: 2025-06-12. Review status: criteria provided, single submitter. Criteria: Invitae Variant Classification Sherloc (09022015). Collection method: clinical testing. Allele origin: germline.
Comment: This sequence change creates a premature translational stop signal (p.Tyr268*) in the COL4A4 gene. It is expected to result in an absent or disrupted protein product. Loss-of-function variants in COL4A4 are known to be pathogenic (PMID: 21196518, 24854265, 25307543). This variant is not present in population databases (gnomAD no frequency). This variant has not been reported in the literature in individuals affected with COL4A4-related conditions. Algorithms developed to predict the effect of sequence changes on RNA splicing suggest that this variant may disrupt the consensus splice site. For these reasons, this variant has been classified as Pathogenic.

Literature cited by the submitters: PubMed 37915894 (cited by Myriad Genetics, Inc.); PubMed 21196518 (cited by Labcorp Genetics (formerly Invitae), Labcorp); PubMed 24854265 (cited by Labcorp Genetics (formerly Invitae), Labcorp); PubMed 25307543 (cited by Labcorp Genetics (formerly Invitae), Labcorp).